The following is an entry in ClinVar:

NM_014423.4(AFF4):c.3157A>C (p.Met1053Leu)

Gene: AFF4 (ALF transcription elongation factor 4; minus strand). Cytogenetic location: 5q31.1.
Variant type: single nucleotide variant.
Coding change: c.3157A>C on transcript NM_014423.4 (MANE Select); coding-DNA position 3157, A replaced by C.
Protein change: p.Met1053Leu; replaces methionine 1053 with leucine.
Molecular consequence: missense variant.
Genome position (GRCh38, 1-based): chr5:132,883,547, T>G on the plus strand (A>C on the coding strand, the complement: AFF4 is on the minus strand). VCF-style: chr5-132883547-T-G. GRCh37 (hg19) VCF-style: chr5-132219239-T-G.
Other names: short protein forms M1053L.
Identifiers: ClinVar variation 5002349 (VCV005002349.1).

ClinVar aggregate classification (germline): Uncertain significance (1 of 4 stars; one submission).

Conditions:
AFF4-related disorder. Also called: AFF4-related condition.

Submission:

PreventionGenetics, part of Exact Sciences
Classification: Uncertain significance for AFF4-related condition. Last evaluated: 2025-05-23. Review status: criteria provided, single submitter. Criteria: ACMG Guidelines, 2015. Collection method: clinical testing. Allele origin: germline.
Comment: The AFF4 c.3157A>C variant is predicted to result in the amino acid substitution p.Met1053Leu. To our knowledge, this variant has not been reported in the literature or in a large population database (gnomAD), indicating this variant is rare. At this time, the clinical significance of this variant is uncertain due to the absence of conclusive functional and genetic evidence.